The following is an entry in ClinVar:

NM_004172.5(SLC1A3):c.657G>C (p.Glu219Asp)

Genes: SLC1A3 (solute carrier family 1 member 3; plus strand), SLC1A3-AS1 (SLC1A3 antisense RNA 1; minus strand). Cytogenetic location: 5p13.2.
Variant type: single nucleotide variant.
Coding change: c.657G>C on transcript NM_004172.5 (MANE Select); coding-DNA position 657, G replaced by C.
Protein change: p.Glu219Asp; replaces glutamic acid 219 with aspartic acid.
Molecular consequence: missense variant. On other transcripts: intron variant (1).
Genome position (GRCh38, 1-based): chr5:36,676,981, G>C. VCF-style: chr5-36676981-G-C. GRCh37 (hg19) VCF-style: chr5-36677083-G-C.
Other names: c.657G>C, p.Glu219Asp (NM_001166695.3); c.519G>C, p.Glu173Asp (NM_001289939.2); c.525-2646G>C (NM_001289940.2); short protein forms E219D, E173D.
Identifiers: ClinVar variation 130326 (VCV000130326.25), dbSNP rs2032892, ClinGen allele CA155219.
Genomic context (GRCh38, chr5:36,676,981, plus strand): 5'-TAAAGTGCCCATCCAGGCCAACGAAACGCTTGTGGGTGCTGTGATAAACAATGTGTCTGA[G>C]GCCATGGAGACTCTTACCCGAATCACAGAGGAGCTGGTCCCAGTTCCAGGATCTGTGAAT-3'
Protein context (NP_004163.3, residues 209-229): LVGAVINNVS[Glu219Asp]AMETLTRITE

ClinVar aggregate classification (germline): Benign/Likely benign. Review status: criteria provided, multiple submitters, no conflicts (2 of 4 stars). 9 submissions from 9 submitters: Benign (7); Likely benign (1). 1 of the submissions does not count toward it. Last evaluated 2026-02-03.

Conditions:
Episodic ataxia type 6. Identifiers: Orphanet 209967, MedGen C2675211, MONDO:0012982, OMIM 612656.

Allele frequency attached by ClinVar (database versions not stated): gnomAD exomes 0.01146 and 0.02474; ESP Exome Variant Server 0.01392; gnomAD 0.01962 and 0.01968; ExAC 0.02051; TOPMed 0.02465; 1000 Genomes Project 0.02676; 1000 Genomes Project 30x 0.02858.
gnomAD v4.1: 19,855 of 1,614,030 alleles (1.2%); highest among the groups gnomAD compares: Admixed American, 9.8%; 474 homozygotes.

Submissions (9):

Labcorp Genetics (formerly Invitae), Labcorp
Classification: Benign. Last evaluated: 2026-02-03. Review status: criteria provided, single submitter. Criteria: Invitae Variant Classification Sherloc (09022015). Collection method: clinical testing. Allele origin: germline.

Blueprint Genetics
Classification: Likely benign. Last evaluated: 2024-11-26. Review status: criteria provided, single submitter. Criteria: ACMG Guidelines, 2015. Collection method: clinical testing. Allele origin: germline.

Mayo Clinic Laboratories, Mayo Clinic
Classification: Benign. Last evaluated: 2023-06-27. Review status: criteria provided, single submitter. Criteria: ACMG Guidelines, 2015. Collection method: clinical testing. Allele origin: germline. Observed: 12 variant alleles.
Comment: BA1, BP4

GeneDx
Classification: Benign. Last evaluated: 2021-05-05. Review status: criteria provided, single submitter. Criteria: GeneDx Variant Classification Process June 2021. Collection method: clinical testing. Allele origin: germline. Affected: yes.
Comment: This variant is associated with the following publications: (PMID: 21233784, 33126486, 32819603)

Athena Diagnostics
Classification: Benign. Last evaluated: 2019-07-15. Review status: criteria provided, single submitter. Criteria: Athena Diagnostics Criteria. Collection method: clinical testing. Allele origin: germline.

Eurofins Ntd Llc (ga)
Classification: Benign. Last evaluated: 2018-05-01. Review status: criteria provided, single submitter. Criteria: EGL ClinVar v180209 classification definitions. Collection method: clinical testing. Allele origin: germline. Observed: 1 variant allele, 1 heterozygote.

Illumina Laboratory Services, Illumina
Classification: Benign for Episodic ataxia type 6. Last evaluated: 2018-03-06. Review status: criteria provided, single submitter. Criteria: ICSL Variant Classification Criteria 13 December 2019. Collection method: clinical testing. Allele origin: germline.
Comment: This variant was observed in the ICSL laboratory as part of a predisposition screen in an ostensibly healthy population. It had not been previously curated by ICSL or reported in the Human Gene Mutation Database (HGMD: prior to June 1st, 2018), and was therefore a candidate for classification through an automated scoring system. Utilizing variant allele frequency, disease prevalence and penetrance estimates, and inheritance mode, an automated score was calculated to assess if this variant is too frequent to cause the disease. Based on the score and internal cut-off values, a variant classified as benign is not then subjected to further curation. The score for this variant resulted in a classification of benign for this disease.

Breakthrough Genomics
Classification: Benign. Review status: criteria provided, single submitter. Criteria: ACMG Guidelines, 2015. Collection method: not provided. Allele origin: germline. Inheritance: Autosomal dominant inheritance. Affected: yes.

Genetic Services Laboratory, University of Chicago
Classification: Likely benign for AllHighlyPenetrant. Review status: no assertion criteria provided. Collection method: clinical testing. Allele origin: germline. Inheritance: Autosomal dominant inheritance. Not counted in ClinVar's aggregate classification.
Comment: Likely benign based on allele frequency in 1000 Genomes Project or ESP global frequency and its presence in a patient with a rare or unrelated disease phenotype. NOT Sanger confirmed.